The following is an entry in ClinVar:

ClinVar aggregate classification (germline): Likely benign (1 of 4 stars; one submission).

Allele frequency attached by ClinVar (database versions not stated): gnomAD exomes below 0.00001 and 0.00001; TOPMed 0.00002.

Submission:

GeneDx
Classification: Likely benign. Last evaluated: 2024-02-19. Review status: criteria provided, single submitter. Criteria: GeneDx Variant Classification Process June 2021. Collection method: clinical testing. Allele origin: germline. Affected: yes.
Comment: See Variant Classification Assertion Criteria.

NM_015335.5(MED13L):c.1261G>A (p.Val421Ile)

Gene: MED13L (mediator complex subunit 13L; minus strand). Cytogenetic location: 12q24.21.
Variant type: single nucleotide variant.
Coding change: c.1261G>A on transcript NM_015335.5 (MANE Select); coding-DNA position 1261, G replaced by A.
Protein change: p.Val421Ile; replaces valine 421 with isoleucine.
Molecular consequence: missense variant.
Genome position (GRCh38, 1-based): chr12:116,012,816, C>T on the plus strand (G>A on the coding strand, the complement: MED13L is on the minus strand). VCF-style: chr12-116012816-C-T. GRCh37 (hg19) VCF-style: chr12-116450621-C-T.
Other names: short protein forms V421I.
Identifiers: ClinVar variation 1310030 (VCV001310030.3), dbSNP rs935188053, ClinGen allele CA244167804.